The following is an entry in ClinVar:

ClinVar aggregate classification (germline): Uncertain significance (1 of 4 stars; one submission).

gnomAD v4.1: 10 of 1,611,956 alleles (0.00062%); highest among the groups gnomAD compares: South Asian, 0.0033%; no homozygotes.

Submission:

Labcorp Genetics (formerly Invitae), Labcorp
Classification: Uncertain significance. Last evaluated: 2022-05-12. Review status: criteria provided, single submitter. Criteria: Invitae Variant Classification Sherloc (09022015). Collection method: clinical testing. Allele origin: germline.
Comment: In summary, the available evidence is currently insufficient to determine the role of this variant in disease. Therefore, it has been classified as a Variant of Uncertain Significance. Algorithms developed to predict the effect of missense changes on protein structure and function output the following: SIFT: "Not Available"; PolyPhen-2: "Benign"; Align-GVGD: "Not Available". The arginine amino acid residue is found in multiple mammalian species, which suggests that this missense change does not adversely affect protein function. This variant has not been reported in the literature in individuals affected with FBN3-related conditions. This variant is present in population databases (rs147585873, gnomAD 0.004%). This sequence change replaces glycine, which is neutral and non-polar, with arginine, which is basic and polar, at codon 301 of the FBN3 protein (p.Gly301Arg).

NM_032447.5(FBN3):c.901G>A (p.Gly301Arg)

Gene: FBN3 (fibrillin 3; minus strand). Cytogenetic location: 19p13.2.
Variant type: single nucleotide variant.
Coding change: c.901G>A on transcript NM_032447.5 (MANE Select); coding-DNA position 901, G replaced by A.
Protein change: p.Gly301Arg; replaces glycine 301 with arginine.
Molecular consequence: missense variant.
Genome position (GRCh38, 1-based): chr19:8,138,529, C>T on the plus strand (G>A on the coding strand, the complement: FBN3 is on the minus strand). VCF-style: chr19-8138529-C-T. GRCh37 (hg19) VCF-style: chr19-8203413-C-T.
Other names: c.901G>A, p.Gly301Arg (NM_001321431.2); short protein forms G301R.
Identifiers: ClinVar variation 1939289 (VCV001939289.5), dbSNP rs147585873, ClinGen allele CA9153543.